The following is an entry in ClinVar:

NM_001130823.3(DNMT1):c.3117-5C>T

Gene: DNMT1 (DNA methyltransferase 1; minus strand). Cytogenetic location: 19p13.2.
Variant type: single nucleotide variant.
Coding change: c.3117-5C>T on transcript NM_001130823.3 (MANE Select); 5 bases into the intron before coding-DNA position 3117, C replaced by T.
Molecular consequence: intron variant.
Genome position (GRCh38, 1-based): chr19:10,142,225, G>A on the plus strand (C>T on the coding strand, the complement: DNMT1 is on the minus strand). VCF-style: chr19-10142225-G-A. GRCh37 (hg19) VCF-style: chr19-10252901-G-A.
Other names: c.2754-5C>T (NM_001318731.2); c.3069-5C>T (NM_001379.4, NM_001318730.2).
Identifiers: ClinVar variation 1107736 (VCV001107736.12), dbSNP rs1484101604, ClinGen allele CA631709521.

ClinVar aggregate classification (germline): Conflicting classifications of pathogenicity. Review status: criteria provided, conflicting classifications (1 of 4 stars). 3 submissions from 3 submitters: Uncertain significance (1); Likely benign (2). Last evaluated 2020-12-24.

Conditions:
Inborn genetic diseases. Identifiers: MedGen C0950123, MeSH D030342.
Hereditary sensory neuropathy-deafness-dementia syndrome. Also called: HSN IE; NEUROPATHY, HEREDITARY SENSORY, WITH HEARING LOSS AND DEMENTIA; Hereditary sensory neuropathy type IE; Hereditary Sensory and Autonomic Neuropathy Type 1E (HSAN1E). Identifiers: Orphanet 456318, MedGen C3279885, MONDO:0013584, OMIM 614116.

Allele frequency attached by ClinVar (database versions not stated): gnomAD exomes below 0.00001; gnomAD 0.00001.
gnomAD v4.1: 3 of 1,613,758 alleles (0.00019%); highest among the groups gnomAD compares: African/African-American, 0.0013%; no homozygotes.

Submissions (3):

Ambry Genetics
Classification: Uncertain significance for Inborn genetic diseases. Last evaluated: 2020-12-24. Review status: criteria provided, single submitter. Criteria: Ambry Variant Classification Scheme 2023. Collection method: clinical testing. Allele origin: germline.
Comment: The c.3069-5C>T intronic variant results from a C to T substitution 5 nucleotides upstream from coding exon 29 in the DNMT1 gene. This nucleotide position is not well conserved in available vertebrate species. In silico splice site analysis predicts that this alteration will not have any significant effect on splicing. Since supporting evidence is limited at this time, the clinical significance of this alteration remains unclear.

Blueprint Genetics
Classification: Likely benign. Last evaluated: 2020-03-12. Review status: criteria provided, single submitter. Criteria: ACMG Guidelines, 2015. Collection method: clinical testing. Allele origin: germline.

Labcorp Genetics (formerly Invitae), Labcorp
Classification: Likely benign for Hereditary sensory neuropathy-deafness-dementia syndrome. Last evaluated: 2019-11-25. Review status: criteria provided, single submitter. Criteria: Invitae Variant Classification Sherloc (09022015). Collection method: clinical testing. Allele origin: germline.